The following is an entry in ClinVar:

ClinVar aggregate classification (germline): Likely benign. Review status: criteria provided, multiple submitters, no conflicts (2 of 4 stars). 5 submissions from 5 submitters: Likely benign (5). Last evaluated 2026-01-26.

Conditions:
Hereditary cancer-predisposing syndrome. Also called: Neoplastic Syndromes, Hereditary; Hereditary neoplastic syndrome; Tumor predisposition; Hereditary Cancer Syndrome. Identifiers: Orphanet 140162, MedGen C0027672, MeSH D009386, MONDO:0015356.

Allele frequency attached by ClinVar (database versions not stated): gnomAD 0.00007 and 0.00009; TOPMed 0.00007; ESP Exome Variant Server 0.00008; gnomAD exomes 0.00008 and 0.00009; ExAC 0.00009.
gnomAD v4.1: 141 of 1,614,090 alleles (0.0087%); highest among the groups gnomAD compares: Middle Eastern, 0.066%; no homozygotes.

Submissions (5):

Labcorp Genetics (formerly Invitae), Labcorp
Classification: Likely benign. Last evaluated: 2026-01-26. Review status: criteria provided, single submitter. Criteria: Invitae Variant Classification Sherloc (09022015). Collection method: clinical testing. Allele origin: germline.

CeGaT Center for Human Genetics Tuebingen
Classification: Likely benign. Last evaluated: 2025-05-01. Review status: criteria provided, single submitter. Criteria: CeGaT Center For Human Genetics Tuebingen Variant Classification Criteria Version 2. Collection method: clinical testing. Allele origin: germline. Affected: yes. Observed: 3 variant alleles.
Comment: ERCC5: BP4, BP7

Laboratory of Genetics, Children's Clinical University Hospital Latvia
Classification: Likely benign. Last evaluated: 2025-02-16. Review status: criteria provided, single submitter. Criteria: ACMG Guidelines, 2015. Collection method: clinical testing. Allele origin: germline. Affected: yes.

Blueprint Genetics
Classification: Likely benign. Last evaluated: 2024-10-04. Review status: criteria provided, single submitter. Criteria: ACMG Guidelines, 2015. Collection method: clinical testing. Allele origin: germline.

Sema4
Classification: Likely benign for Hereditary cancer-predisposing syndrome. Last evaluated: 2021-12-16. Review status: criteria provided, single submitter. Criteria: Sema4 Curation Guidelines. Collection method: curation. Allele origin: germline.

NM_000123.4(ERCC5):c.2163G>A (p.Ala721=)

Genes: BIVM-ERCC5 (BIVM-ERCC5 readthrough; plus strand), ERCC5 (ERCC excision repair 5, endonuclease; plus strand), LOC126861834 (BRD4-independent group 4 enhancer GRCh37_chr13:103518038-103519237; plus strand). Cytogenetic location: 13q33.1.
Variant type: single nucleotide variant.
Coding change: c.2163G>A on transcript NM_000123.4 (MANE Select); coding-DNA position 2163, G replaced by A.
Protein change: p.Ala721=; no amino-acid change (alanine 721 retained).
Molecular consequence: synonymous variant.
Genome position (GRCh38, 1-based): chr13:102,865,875, G>A. VCF-style: chr13-102865875-G-A. GRCh37 (hg19) VCF-style: chr13-103518225-G-A.
Other names: c.3525G>A, p.Ala1175= (NM_001204425.2).
Identifiers: ClinVar variation 1692182 (VCV001692182.27), dbSNP rs149224228, ClinGen allele CA7041539.
Genomic context (GRCh38, chr13:102,865,875, plus strand): 5'-GAGGGACAACTCTGAGAGGGACGACGTGGATGGTGAGCCACAGGAAGCTGAGAAAGATGC[G>A]GAAGATTCGCTCCATGAATGGCAAGATATTAATTTGGTAATACCGTAACATTGTGTTTCG-3'
Protein context (NP_000114.3, residues 711-731): DGEPQEAEKD[Ala721=]EDSLHEWQDI